The following is an entry in ClinVar:

NM_004168.4(SDHA):c.1064+7G>A

Gene: SDHA (succinate dehydrogenase complex flavoprotein subunit A; plus strand). Cytogenetic location: 5p15.33.
Variant type: single nucleotide variant.
Coding change: c.1064+7G>A on transcript NM_004168.4 (MANE Select); 7 bases into the intron after coding-DNA position 1064, G replaced by A.
Molecular consequence: intron variant.
Genome position (GRCh38, 1-based): chr5:233,652, G>A. VCF-style: chr5-233652-G-A. GRCh37 (hg19) VCF-style: chr5-233767-G-A.
Other names: c.1064+7G>A (NM_004168.3, NM_001330758.2); c.920+7G>A (NM_001294332.2).
Identifiers: ClinVar variation 2941731 (VCV002941731.5), dbSNP rs2126578502, ClinGen allele CA2672969058.
Genomic context (GRCh38, chr5:233,652, plus strand): 5'-GGCGTCTAGAGATGTGGTGTCTCGGTCCATGACTCTGGAGATCCGAGAAGGAAGGTGCGT[G>A]TGATTTACCACCAGCACTGTCTGAGCGGGCACACGGGCCGGGGTTGCTTCTGTGAGTTTC-3'

ClinVar aggregate classification (germline): Conflicting classifications of pathogenicity. Review status: criteria provided, conflicting classifications (1 of 4 stars). 3 submissions from 3 submitters: Uncertain significance (1); Likely benign (2). Last evaluated 2025-03-07.

Conditions:
Mitochondrial complex II deficiency, nuclear type 1. Also called: SUCCINATE CoQ REDUCTASE DEFICIENCY. Identifiers: Orphanet 3208, MedGen C5700310, MONDO:0100294, OMIM 252011.
Pheochromocytoma/paraganglioma syndrome 5. Also called: Paragangliomas 5; SDHA-Related Hereditary Paraganglioma-Pheochromocytoma Syndrome. Identifiers: Orphanet 29072, MedGen C3279992, MONDO:0013602, OMIM 614165.

Allele frequency attached by ClinVar (database versions not stated): gnomAD exomes below 0.00001.
gnomAD v4.1: 1 of 1,613,876 alleles (0.000062%); highest among the groups gnomAD compares: Admixed American, 0.0017%; no homozygotes.

Submissions (3):

Myriad Genetics, Inc.
Classification: Likely benign for Pheochromocytoma/paraganglioma syndrome 5. Last evaluated: 2025-03-07. Review status: criteria provided, single submitter. Criteria: Myriad Autosomal Dominant, Autosomal Recessive and X-Linked Classification Criteria (2023). Collection method: clinical testing. Allele origin: unknown.
Comment: This variant is considered likely benign. This variant is intronic and is not expected to impact mRNA splicing.

Quest Diagnostics Nichols Institute San Juan Capistrano
Classification: Uncertain significance. Last evaluated: 2025-02-05. Review status: criteria provided, single submitter. Criteria: Quest Diagnostics criteria. Collection method: clinical testing. Allele origin: unknown.
Comment: The SDHA c.1064+7G>A variant has not been reported in individuals with SDHA-related conditions in the published literature. It also has not been reported in large, multi-ethnic general populations (Genome Aggregation Database). Analysis of this variant using software algorithms for the prediction of the effect of nucleotide changes on splicing yielded predictions that this variant does not affect SDHA mRNA splicing. Based on the available information, we are unable to determine the clinical significance of this variant.

Labcorp Genetics (formerly Invitae), Labcorp
Classification: Likely benign for Pheochromocytoma/paraganglioma syndrome 5; Mitochondrial complex II deficiency, nuclear type 1. Last evaluated: 2023-05-07. Review status: criteria provided, single submitter. Criteria: Invitae Variant Classification Sherloc (09022015). Collection method: clinical testing. Allele origin: germline.